The following is an entry in ClinVar:

ClinVar aggregate classification (germline): Likely benign. Review status: criteria provided, multiple submitters, no conflicts (2 of 4 stars). 2 submissions from 2 submitters: Likely benign (2). Last evaluated 2026-09-01.

gnomAD v4.1: 71 of 1,552,146 alleles (0.0046%); highest among the groups gnomAD compares: Non-Finnish European, 0.0058%; no homozygotes.

Submissions (2):

CeGaT Center for Human Genetics Tuebingen
Classification: Likely benign. Last evaluated: 2026-09-01. Review status: criteria provided, single submitter. Criteria: CeGaT Center For Human Genetics Tuebingen Variant Classification Criteria Version 2. Collection method: clinical testing. Allele origin: germline. Affected: yes. Observed: 1 variant allele.
Comment: SETD1B: BP4, BP7

Blueprint Genetics
Classification: Likely benign. Last evaluated: 2022-12-02. Review status: criteria provided, single submitter. Criteria: ACMG Guidelines, 2015. Collection method: clinical testing. Allele origin: germline.

NM_001353345.2(SETD1B):c.5700C>T (p.Phe1900=)

Gene: SETD1B (SET domain containing 1B, histone lysine methyltransferase; plus strand). Cytogenetic location: 12q24.31.
Variant type: single nucleotide variant.
Coding change: c.5700C>T on transcript NM_001353345.2 (MANE Select); coding-DNA position 5700, C replaced by T.
Protein change: p.Phe1900=; no amino-acid change (phenylalanine 1900 retained).
Molecular consequence: synonymous variant.
Genome position (GRCh38, 1-based): chr12:121,828,043, C>T. VCF-style: chr12-121828043-C-T. GRCh37 (hg19) VCF-style: chr12-122265949-C-T.
Identifiers: ClinVar variation 4919046 (VCV004919046.2).
Genomic context (GRCh38, chr12:121,828,043, plus strand): 5'-CAGCTACATGTTCCGGGTGGACCATGACACCATCATCGACGCCACCAAGTGCGGCAACTT[C>T]GCGCGCTTCATCAACCACAGCTGCAACGTGAGTGCCCAGCGGGGGGTGGCCCCTGCCCCT-3'
Protein context (NP_001340274.1, residues 1890-1910): TIIDATKCGN[Phe1900=]ARFINHSCNP